The following is an entry in ClinVar:

NM_173685.4(NSMCE2):c.466_470del (p.Glu156fs)

Gene: NSMCE2 (NSE2 SUMO ligase component of SMC5/6 complex; plus strand). Cytogenetic location: 8q24.13.
Variant type: Deletion.
Coding change: c.466_470del on transcript NM_173685.4 (MANE Select); coding-DNA positions 466 to 470, 5 bases deleted (GAAGA; older notation c.466_470delGAAGA).
Protein change: p.Glu156fs; shifts the reading frame from glutamic acid 156.
Molecular consequence: frameshift variant. On other transcripts: non-coding transcript variant (1).
Genome position (GRCh38, 1-based): chr8:125,357,266-125,357,270, GAAGA deleted. VCF-style (leftmost placement, unchanged base first): chr8-125357265-TGAAGA-T. GRCh37 (hg19) VCF-style: chr8-126369507-TGAAGA-T.
Other names: c.466_470del, p.Glu156fs (NM_001349485.2, NM_001349486.2); short protein forms E156fs.
Identifiers: ClinVar variation 2793895 (VCV002793895.3), dbSNP rs2538526878, ClinGen allele CA2739268968.
Genomic context (GRCh38, chr8:125,357,265, plus strand): 5'-CCATTTTCCTCTAGGTGGTCTTCAAGCTGACAGAGAAGCTGACGGAACAGAAGGAGTGGA[TGAAGA>T]TATAATTGTGACCCAAAGTCAGACCAACTTCACCTGCCCCATTACAAAGGTACCGCTTCC-3'

ClinVar aggregate classification (germline): Pathogenic (1 of 4 stars; one submission).

Submission:

Labcorp Genetics (formerly Invitae), Labcorp
Classification: Pathogenic. Last evaluated: 2022-12-31. Review status: criteria provided, single submitter. Criteria: Invitae Variant Classification Sherloc (09022015). Collection method: clinical testing. Allele origin: germline.
Comment: For these reasons, this variant has been classified as Pathogenic. This variant has not been reported in the literature in individuals affected with NSMCE2-related conditions. This variant is not present in population databases (gnomAD no frequency). This sequence change creates a premature translational stop signal (p.Glu156Tyrfs*26) in the NSMCE2 gene. It is expected to result in an absent or disrupted protein product. Loss-of-function variants in NSMCE2 are known to be pathogenic (PMID: 25105364, 26443207).

Literature cited by the submitters: PubMed 25105364; PubMed 26443207.